The following is an entry in ClinVar:

NM_014974.3(DIP2C):c.2875C>T (p.Gln959Ter)

Gene: DIP2C (DIP2 acetate--CoA ligase C (putative); minus strand). Cytogenetic location: 10p15.3.
Variant type: single nucleotide variant.
Coding change: c.2875C>T on transcript NM_014974.3 (MANE Select); coding-DNA position 2875, C replaced by T.
Protein change: p.Gln959Ter; replaces glutamine 959 with a stop codon.
Molecular consequence: nonsense.
Genome position (GRCh38, 1-based): chr10:357,857, G>A on the plus strand (C>T on the coding strand, the complement: DIP2C is on the minus strand). VCF-style: chr10-357857-G-A. GRCh37 (hg19) VCF-style: chr10-403797-G-A.
Other names: short protein forms Q959*.
Identifiers: ClinVar variation 3652490 (VCV003652490.2).

ClinVar aggregate classification (germline): Pathogenic (1 of 4 stars; one submission).

Submission:

Labcorp Genetics (formerly Invitae), Labcorp
Classification: Pathogenic. Last evaluated: 2024-10-17. Review status: criteria provided, single submitter. Criteria: Invitae Variant Classification Sherloc (09022015). Collection method: clinical testing. Allele origin: germline.
Comment: This sequence change creates a premature translational stop signal (p.Gln959*) in the DIP2C gene. It is expected to result in an absent or disrupted protein product. Loss-of-function variants in DIP2C are known to be pathogenic (PMID: 38421105). This variant is not present in population databases (gnomAD no frequency). This variant has not been reported in the literature in individuals affected with DIP2C-related conditions. For these reasons, this variant has been classified as Pathogenic.

Literature cited by the submitters: PubMed 38421105.